The following is an entry in ClinVar:

NM_014112.5(TRPS1):c.3443C>G (p.Pro1148Arg)

Gene: TRPS1 (transcriptional repressor GATA binding 1; minus strand). Cytogenetic location: 8q23.3.
Variant type: single nucleotide variant.
Coding change: c.3443C>G on transcript NM_014112.5 (MANE Select); coding-DNA position 3443, C replaced by G.
Protein change: p.Pro1148Arg; replaces proline 1148 with arginine.
Molecular consequence: missense variant.
Genome position (GRCh38, 1-based): chr8:115,414,465, G>C on the plus strand (C>G on the coding strand, the complement: TRPS1 is on the minus strand). VCF-style: chr8-115414465-G-C. GRCh37 (hg19) VCF-style: chr8-116426693-G-C.
Other names: c.3443C>G (NM_014112.2); c.3416C>G, p.Pro1139Arg (NM_001282902.3); c.3422C>G, p.Pro1141Arg (NM_001282903.3); c.3404C>G, p.Pro1135Arg (NM_001330599.2); short protein forms P1135R, P1141R, P1139R, P1148R.
Identifiers: ClinVar variation 2953664 (VCV002953664.4), dbSNP rs376813799, ClinGen allele CA184469539.
Genomic context (GRCh38, chr8:115,414,465, plus strand): 5'-GCTGAAAAATGAGGAGGCAGATTGAAGGTGGGATAAGGCACATAGTTTTGGCAAGGATTT[G>C]GTAGGCCAGGCACGTGACTCAAGTAGTGCGGATTCCCAGGAACGGAGAGCTTATATTTAC-3'
Protein context (NP_054831.2, residues 1138-1158): PHYLSHVPGL[Pro1148Arg]NPCQNYVPYP

ClinVar aggregate classification (germline): Uncertain significance. Review status: criteria provided, multiple submitters, no conflicts (2 of 4 stars). 2 submissions from 2 submitters: Uncertain significance (2). Last evaluated 2026-01-14.

Conditions:
Inborn genetic diseases. Identifiers: MedGen C0950123, MeSH D030342.
Trichorhinophalangeal dysplasia type I (TRPS1). Also called: TRPS I; TRICHORHINOPHALANGEAL SYNDROME, TYPE I. Identifiers: Orphanet 77258, MedGen C0432233, MONDO:0008596, OMIM 190350.
Trichorhinophalangeal syndrome, type III (TRPS3). Also called: SUGIO-KAJII SYNDROME. Identifiers: Orphanet 77258, MedGen C1860823, OMIM 190351, MONDO:0008597.

Allele frequency attached by ClinVar (database versions not stated): gnomAD exomes 0.00001; TOPMed 0.00002; ESP Exome Variant Server 0.00008.
gnomAD v4.1: 15 of 1,613,946 alleles (0.00093%); highest among the groups gnomAD compares: Non-Finnish European, 0.0013%; no homozygotes.

Submissions (2):

Ambry Genetics
Classification: Uncertain significance for Inborn genetic diseases. Last evaluated: 2026-01-14. Review status: criteria provided, single submitter. Criteria: Ambry Variant Classification Scheme 2023. Collection method: clinical testing. Allele origin: germline.

Labcorp Genetics (formerly Invitae), Labcorp
Classification: Uncertain significance for Trichorhinophalangeal syndrome, type III; Trichorhinophalangeal dysplasia type I. Last evaluated: 2025-10-27. Review status: criteria provided, single submitter. Criteria: Invitae Variant Classification Sherloc (09022015). Collection method: clinical testing. Allele origin: germline.
Comment: This sequence change replaces proline, which is neutral and non-polar, with arginine, which is basic and polar, at codon 1148 of the TRPS1 protein (p.Pro1148Arg). This variant is not present in population databases (gnomAD no frequency). This variant has not been reported in the literature in individuals affected with TRPS1-related conditions. ClinVar contains an entry for this variant (Variation ID: 2953664). Invitae Evidence Modeling of protein sequence and biophysical properties (such as structural, functional, and spatial information, amino acid conservation, physicochemical variation, residue mobility, and thermodynamic stability) has been performed for this missense variant. However, the output from this modeling did not meet the statistical confidence thresholds required to predict the impact of this variant on TRPS1 protein function. In summary, the available evidence is currently insufficient to determine the role of this variant in disease. Therefore, it has been classified as a Variant of Uncertain Significance.